The following is an entry in ClinVar:

ClinVar aggregate classification (germline): Uncertain significance (1 of 4 stars; one submission).

gnomAD v4.1: 29 of 1,546,528 alleles (0.0019%); highest among the groups gnomAD compares: South Asian, 0.013%; 1 homozygote.

Submission:

GeneDx
Classification: Uncertain significance. Last evaluated: 2024-04-01. Review status: criteria provided, single submitter. Criteria: GeneDx Variant Classification Process June 2021. Collection method: clinical testing. Allele origin: germline. Affected: yes.
Comment: In silico analysis supports that this missense variant has a deleterious effect on protein structure/function; Has not been previously published as pathogenic or benign to our knowledge

NM_173689.7(CRB2):c.584A>G (p.His195Arg)

Gene: CRB2 (crumbs cell polarity complex component 2; plus strand). Cytogenetic location: 9q33.3.
Variant type: single nucleotide variant.
Coding change: c.584A>G on transcript NM_173689.7 (MANE Select); coding-DNA position 584, A replaced by G.
Protein change: p.His195Arg; replaces histidine 195 with arginine.
Molecular consequence: missense variant.
Genome position (GRCh38, 1-based): chr9:123,366,082, A>G. VCF-style: chr9-123366082-A-G. GRCh37 (hg19) VCF-style: chr9-126128361-A-G.
Other names: short protein forms H195R.
Identifiers: ClinVar variation 3371626 (VCV003371626.1).